The following is an entry in ClinVar:

ClinVar aggregate classification (germline): Uncertain significance (1 of 4 stars; one submission).

Submission:

Dasa
Classification: Uncertain significance. Last evaluated: 2025-07-24. Review status: criteria provided, single submitter. Criteria: DASA Assertion Criteria. Collection method: clinical testing. Allele origin: germline.
Comment: NM_002617.4(PEX10):c.203C>T (p.Thr68Ile) is a missense variant that results in the substitution of threonine with isoleucine. This variant is rare in population databases. Computational prediction algorithms are consistent with a deleterious effect. The currently available literature and clinical evidence are not sufficient to establish a definitive association between this variant and the reported condition. Therefore, this variant is classified as a variant of uncertain significance.

NM_002617.4(PEX10):c.203C>T (p.Thr68Ile)

Gene: PEX10 (peroxisomal biogenesis factor 10; minus strand). Cytogenetic location: 1p36.32.
Variant type: single nucleotide variant.
Coding change: c.203C>T on transcript NM_002617.4 (MANE Select); coding-DNA position 203, C replaced by T.
Protein change: p.Thr68Ile; replaces threonine 68 with isoleucine.
Molecular consequence: missense variant. On other transcripts: 5 prime UTR variant (2), non-coding transcript variant (1).
Genome position (GRCh38, 1-based): chr1:2,408,849, G>A on the plus strand (C>T on the coding strand, the complement: PEX10 is on the minus strand). VCF-style: chr1-2408849-G-A. GRCh37 (hg19) VCF-style: chr1-2340288-G-A.
Other names: c.203C>T, p.Thr68Ile (NM_001374425.1, NM_153818.2); c.-230C>T (NM_001374426.1, NM_001374427.1); short protein forms T68I.
Identifiers: ClinVar variation 4881599 (VCV004881599.2).
Genomic context (GRCh38, chr1:2,408,849, plus strand): 5'-GAGGGCACATGTATCCGCGATGGGTCCACCTGGATGATGCTGACGTACTCCTCCCCCAGG[G>A]TCTGGTAGCCTGCGAGGAAGAGGATGGGTATGTGGACCCTGAGACTGCTGCCGCGGGGAC-3'
Protein context (NP_002608.1, residues 58-78): FGLTTLAGYQ[Thr68Ile]LGEEYVSIIQ